The following is an entry in ClinVar:

NM_001009944.3(PKD1):c.2315T>C (p.Leu772Pro)

Gene: PKD1 (polycystin 1, transient receptor potential channel interacting; minus strand). Cytogenetic location: 16p13.3.
Variant type: single nucleotide variant.
Coding change: c.2315T>C on transcript NM_001009944.3 (MANE Select); coding-DNA position 2315, T replaced by C.
Protein change: p.Leu772Pro; replaces leucine 772 with proline.
Molecular consequence: missense variant.
Genome position (GRCh38, 1-based): chr16:2,114,708, A>G on the plus strand (T>C on the coding strand, the complement: PKD1 is on the minus strand). VCF-style: chr16-2114708-A-G. GRCh37 (hg19) VCF-style: chr16-2164709-A-G.
Other names: c.2315T>C, p.Leu772Pro (NM_000296.4); short protein forms L772P.
Identifiers: ClinVar variation 3376957 (VCV003376957.3).

ClinVar aggregate classification (germline): Uncertain significance. Review status: criteria provided, multiple submitters, no conflicts (2 of 4 stars). 3 submissions from 3 submitters: Uncertain significance (3). Last evaluated 2025-09-02.

Conditions:
Polycystic kidney disease, adult type (PKD1). Also called: POLYCYSTIC KIDNEY DISEASE, ADULT, TYPE I; Polycystic Kidney Disease 1, Autosomal Dominant; Polycystic kidney disease 1; Polycystic kidney disease 1, severe; Polycystic Kidney, Autosomal Dominant; POLYCYSTIC KIDNEY DISEASE 1 WITH OR WITHOUT POLYCYSTIC LIVER DISEASE. Identifiers: MedGen C3149841, MONDO:0008263, OMIM 173900.
PKD1-related disorder. Also called: PKD1-related condition.

Submissions (3):

PreventionGenetics, part of Exact Sciences
Classification: Uncertain significance for PKD1-related condition. Last evaluated: 2025-09-02. Review status: criteria provided, single submitter. Criteria: ACMG Guidelines, 2015. Collection method: clinical testing. Allele origin: germline.
Comment: The PKD1 c.2315T>C variant is predicted to result in the amino acid substitution p.Leu772Pro. To our knowledge, this variant has not been reported in the literature or in a large population database (gnomAD), indicating this variant is rare. At this time, the clinical significance of this variant is uncertain due to the absence of conclusive functional and genetic evidence.

Victorian Clinical Genetics Services, Murdoch Childrens Research Institute
Classification: Uncertain significance for Polycystic kidney disease, adult type. Last evaluated: 2024-10-10. Review status: criteria provided, single submitter. Criteria: ACMG Guidelines, 2015. Collection method: clinical testing. Allele origin: germline. Inheritance: Autosomal dominant inheritance. Affected: yes.
Comment: Based on the classification scheme VCGS_Germline_v1.3.5, this variant is classified as VUS-3A. Following criteria are met: 0102 - Loss of function is a known mechanism of disease in this gene and is associated with polycystic kidney disease 1 (MIM#173900). (I) 0107 - This gene is associated with autosomal dominant disease. Polycystic kidney disease 1 (MIM#173900) is predominantly caused by monoallelic variants, with rare reports of biallelic variants causing disease (OMIM). (I) 0200 - Variant is predicted to result in a missense amino acid change from leucine to proline. (I) 0251 - This variant is heterozygous. (I) 0301 - Variant is absent from gnomAD (v2, v3 and v4). (SP) 0309 - Multiple alternative amino acid changes at the same position have been observed in gnomAD (v4) (highest allele count: 1 heterozygote, 0 homozygotes). (I) 0502 - Missense variant with conflicting in silico predictions and low conservation. (I) 0604 - Variant is not located in an established domain, motif, hotspot or informative constraint region. (I) 0705 - No comparable missense variants have previous evidence for pathogenicity. (I) 0807 - This variant has no previous evidence of pathogenicity. (I) 0905 - No published segregation evidence has been identified for this variant. (I) 1007 - No published functional evidence has been identified for this variant. (SP) Legend: (SP) - Supporting pathogenic, (I) - Information, (SB) - Supporting benign

Fulgent Genetics
Classification: Uncertain significance for Polycystic kidney disease, adult type. Last evaluated: 2024-01-31. Review status: criteria provided, single submitter. Criteria: ACMG Guidelines, 2015. Collection method: clinical testing. Allele origin: germline.